The following is an entry in ClinVar:

NM_003900.5(SQSTM1):c.267C>T (p.Tyr89=)

Gene: SQSTM1 (sequestosome 1; plus strand). Cytogenetic location: 5q35.3.
Variant type: single nucleotide variant.
Coding change: c.267C>T on transcript NM_003900.5 (MANE Select); coding-DNA position 267, C replaced by T.
Protein change: p.Tyr89=; no amino-acid change (tyrosine 89 retained).
Molecular consequence: synonymous variant.
Genome position (GRCh38, 1-based): chr5:179,823,019, C>T. VCF-style: chr5-179823019-C-T. GRCh37 (hg19) VCF-style: chr5-179250019-C-T.
Other names: p.Tyr89=; c.15C>T, p.Tyr5= (NM_001142298.2, NM_001142299.2).
Identifiers: ClinVar variation 767628 (VCV000767628.11), dbSNP rs150883783, ClinGen allele CA3600432.

ClinVar aggregate classification (germline): Likely benign. Review status: criteria provided, multiple submitters, no conflicts (2 of 4 stars). 2 submissions from 2 submitters: Likely benign (2). Last evaluated 2025-08-15.

Conditions:
Paget disease of bone 2, early-onset (PDB2). Also called: Paget disease of bone 2. Identifiers: MedGen C4085251, MONDO:0011183, OMIM 602080.
Frontotemporal dementia and/or amyotrophic lateral sclerosis 1 (FTDALS1). Also called: C9orf72 Frontotemporal Dementia and/or Amyotrophic Lateral Sclerosis; Frontotemporal dementia with motor neuron disease 1. Identifiers: Orphanet 275872, MedGen C5779877, MONDO:0007105, OMIM 105550.

Allele frequency attached by ClinVar (database versions not stated): gnomAD 0.00001; TOPMed 0.00003; gnomAD exomes 0.00004; ESP Exome Variant Server 0.00008.
gnomAD v4.1: 60 of 1,613,960 alleles (0.0037%); highest among the groups gnomAD compares: Non-Finnish European, 0.0046%; no homozygotes.

Submissions (2):

Mayo Clinic Laboratories, Mayo Clinic
Classification: Likely benign. Last evaluated: 2025-08-15. Review status: criteria provided, single submitter. Criteria: ACMG Guidelines, 2015. Collection method: clinical testing. Allele origin: germline. Observed: 2 variant alleles.
Comment: BP4, BP7

Labcorp Genetics (formerly Invitae), Labcorp
Classification: Likely benign for Paget disease of bone 2, early-onset; Frontotemporal dementia and/or amyotrophic lateral sclerosis 1. Last evaluated: 2024-08-01. Review status: criteria provided, single submitter. Criteria: Invitae Variant Classification Sherloc (09022015). Collection method: clinical testing. Allele origin: germline.